The following is an entry in ClinVar:

NM_000133.4(F9):c.465C>T (p.Cys155=)

Gene: F9 (coagulation factor IX; plus strand). Cytogenetic location: Xq27.1.
Variant type: single nucleotide variant.
Coding change: c.465C>T on transcript NM_000133.4 (MANE Select); coding-DNA position 465, C replaced by T.
Protein change: p.Cys155=; no amino-acid change (cysteine 155 retained).
Molecular consequence: synonymous variant.
Genome position (GRCh38, 1-based): chrX:139,548,436, C>T. VCF-style: chrX-139548436-C-T. GRCh37 (hg19) VCF-style: chrX-138630595-C-T.
Other names: c.351C>T, p.Cys117= (NM_001313913.2).
Identifiers: ClinVar variation 1086365 (VCV001086365.32), dbSNP rs375658633, ClinGen allele CA10529798.

ClinVar aggregate classification (germline): Likely benign. Review status: criteria provided, multiple submitters, no conflicts (2 of 4 stars). 2 submissions from 2 submitters: Likely benign (2). Last evaluated 2025-11-05.

Conditions:
Thrombophilia, X-linked, due to factor 9 defect. Identifiers: MedGen C2749016, MONDO:0010432, OMIM 300807.
Hereditary factor IX deficiency disease (HEMB). Also called: Hemophilia B; F9 DEFICIENCY; FACTOR IX DEFICIENCY; Christmas Disease; PLASMA THROMBOPLASTIN COMPONENT DEFICIENCY. Identifiers: Orphanet 98879, MedGen C0008533, MeSH D002836, MONDO:0010604, OMIM 306900.

Allele frequency attached by ClinVar (database versions not stated): ExAC 0.00002; gnomAD 0.00002; gnomAD exomes 0.00002 and 0.00004; TOPMed 0.00002; ESP Exome Variant Server 0.00009.
gnomAD v4.1: 41 of 1,208,663 alleles (0.0034%); highest among the groups gnomAD compares: Non-Finnish European, 0.0045%; no homozygotes.

Submissions (2):

Labcorp Genetics (formerly Invitae), Labcorp
Classification: Likely benign for Thrombophilia, X-linked, due to factor 9 defect; Hereditary factor IX deficiency disease. Last evaluated: 2025-11-05. Review status: criteria provided, single submitter. Criteria: Invitae Variant Classification Sherloc (09022015). Collection method: clinical testing. Allele origin: germline.

CeGaT Center for Human Genetics Tuebingen
Classification: Likely benign. Last evaluated: 2023-03-01. Review status: criteria provided, single submitter. Criteria: CeGaT Center For Human Genetics Tuebingen Variant Classification Criteria Version 2. Collection method: clinical testing. Allele origin: germline. Affected: yes. Observed: 1 variant allele.
Comment: F9: BP4, BP7